The following is an entry in ClinVar:

NM_001048174.2(MUTYH):c.46G>A (p.Ala16Thr)

Gene: MUTYH (mutY DNA glycosylase; minus strand). Cytogenetic location: 1p34.1.
Variant type: single nucleotide variant.
Coding change: c.46G>A on transcript NM_001048174.2 (MANE Select); coding-DNA position 46, G replaced by A.
Protein change: p.Ala16Thr; replaces alanine 16 with threonine.
Molecular consequence: missense variant. On other transcripts: 5 prime UTR variant (7), non-coding transcript variant (7).
Genome position (GRCh38, 1-based): chr1:45,334,460, C>T on the plus strand (G>A on the coding strand, the complement: MUTYH is on the minus strand). VCF-style: chr1-45334460-C-T. GRCh37 (hg19) VCF-style: chr1-45800132-C-T.
Other names: c.46G>A, p.Ala16Thr (NM_001048172.2, NM_001048173.2, NM_001293191.2 and 15 more transcripts); c.88G>A, p.Ala30Thr (NM_001128425.2, NM_001293190.2, NM_001407069.1 and 2 more transcripts); c.-167G>A (NM_001293192.2, NM_001293196.2, NM_001407091.1); c.-226G>A (NM_001350650.2); c.-162G>A (NM_001350651.2, NM_001407082.1); c.-111G>A (NM_001407075.1); c.64G>A, p.Ala22Thr (NM_001407087.1); short protein forms A30T, A16T, A22T.
Identifiers: ClinVar variation 4113883 (VCV004113883.1).

ClinVar aggregate classification (germline): Uncertain significance (1 of 4 stars; one submission).

Conditions:
Hereditary cancer-predisposing syndrome. Also called: Hereditary neoplastic syndrome; Neoplastic Syndromes, Hereditary; Tumor predisposition; Hereditary Cancer Syndrome. Identifiers: Orphanet 140162, MedGen C0027672, MeSH D009386, MONDO:0015356.

gnomAD v4.1: 3 of 1,614,182 alleles (0.00019%); highest among the groups gnomAD compares: Non-Finnish European, 0.00025%; no homozygotes.

Submission:

Ambry Genetics
Classification: Uncertain significance for Hereditary cancer-predisposing syndrome. Last evaluated: 2025-08-27. Review status: criteria provided, single submitter. Criteria: Ambry Variant Classification Scheme 2023. Collection method: clinical testing. Allele origin: germline.
Comment: The p.A30T variant (also known as c.88G>A), located in coding exon 2 of the MUTYH gene, results from a G to A substitution at nucleotide position 88. The alanine at codon 30 is replaced by threonine, an amino acid with similar properties. This amino acid position is conserved. In addition, this alteration is predicted to be tolerated by in silico analysis. Based on the available evidence, the clinical significance of this variant remains unclear.